The following is an entry in ClinVar:

NM_001184.4(ATR):c.6494C>G (p.Ala2165Gly)

Gene: ATR (ATR checkpoint kinase; minus strand). Cytogenetic location: 3q23.
Variant type: single nucleotide variant.
Coding change: c.6494C>G on transcript NM_001184.4 (MANE Select); coding-DNA position 6494, C replaced by G.
Protein change: p.Ala2165Gly; replaces alanine 2165 with glycine.
Molecular consequence: missense variant.
Genome position (GRCh38, 1-based): chr3:142,469,395, G>C on the plus strand (C>G on the coding strand, the complement: ATR is on the minus strand). VCF-style: chr3-142469395-G-C. GRCh37 (hg19) VCF-style: chr3-142188237-G-C.
Other names: c.6302C>G, p.Ala2101Gly (NM_001354579.2); short protein forms A2101G, A2165G.
Identifiers: ClinVar variation 3331282 (VCV003331282.2).

ClinVar aggregate classification (germline): Uncertain significance. Review status: criteria provided, multiple submitters, no conflicts (2 of 4 stars). 2 submissions from 2 submitters: Uncertain significance (2). Last evaluated 2024-03-16.

Conditions:
Inborn genetic diseases. Identifiers: MedGen C0950123, MeSH D030342.
Familial cutaneous telangiectasia and oropharyngeal predisposition cancer syndrome. Identifiers: Orphanet 313846, MedGen C3281203, MONDO:0013806, OMIM 614564.
Seckel syndrome 1 (SCKL1). Also called: MICROCEPHALIC PRIMORDIAL DWARFISM I. Identifiers: Orphanet 808, MedGen C4551474, MONDO:0008869, OMIM 210600.

Submissions (2):

Ambry Genetics
Classification: Uncertain significance for Inborn genetic diseases. Last evaluated: 2024-03-16. Review status: criteria provided, single submitter. Criteria: Ambry Variant Classification Scheme 2023. Collection method: clinical testing. Allele origin: germline.
Comment: The p.A2165G variant (also known as c.6494C>G), located in coding exon 38 of the ATR gene, results from a C to G substitution at nucleotide position 6494. The alanine at codon 2165 is replaced by glycine, an amino acid with similar properties. This amino acid position is conserved. In addition, this alteration is predicted to be tolerated by in silico analysis. Based on the available evidence, the clinical significance of this alteration remains unclear.

Fulgent Genetics
Classification: Uncertain significance for Seckel syndrome 1; Familial cutaneous telangiectasia and oropharyngeal predisposition cancer syndrome. Last evaluated: 2023-12-29. Review status: criteria provided, single submitter. Criteria: ACMG Guidelines, 2015. Collection method: clinical testing. Allele origin: germline.